The following is an entry in ClinVar:

ClinVar aggregate classification (germline): Likely pathogenic (1 of 4 stars; one submission).

Conditions:
Autosomal recessive limb-girdle muscular dystrophy type 2J (LGMDR10). Also called: Limb-girdle muscular dystrophy, type 2J; MUSCULAR DYSTROPHY, LIMB-GIRDLE, AUTOSOMAL RECESSIVE 10. Identifiers: Orphanet 140922, MedGen C1837342, MONDO:0012127, OMIM 608807.
Dilated cardiomyopathy 1G (CMD1G). Identifiers: Orphanet 154, MedGen C1858763, MONDO:0011400, OMIM 604145.

Submission:

Labcorp Genetics (formerly Invitae), Labcorp
Classification: Likely pathogenic for Dilated cardiomyopathy 1G; Autosomal recessive limb-girdle muscular dystrophy type 2J. Last evaluated: 2025-08-29. Review status: criteria provided, single submitter. Criteria: Invitae Variant Classification Sherloc (09022015). Collection method: clinical testing. Allele origin: germline.
Comment: This sequence change affects a donor splice site in intron 137 of the TTN gene. It is expected to disrupt RNA splicing. Variants that disrupt the donor or acceptor splice site typically lead to a loss of protein function (PMID: 16199547), and loss-of-function variants in TTN are known to be pathogenic (PMID: 17444505, 22335739, 22577215, 23486992, 23606733, 23975875, 24395473). This variant is not present in population databases (gnomAD no frequency). This variant has not been reported in the literature in individuals affected with TTN-related conditions. Algorithms developed to predict the effect of sequence changes on RNA splicing suggest that this variant may disrupt the consensus splice site. In summary, the currently available evidence indicates that the variant is pathogenic, but additional data are needed to prove that conclusively. Therefore, this variant has been classified as Likely Pathogenic.

Literature cited by the submitters: PubMed 16199547; PubMed 17444505; PubMed 22335739; PubMed 22577215; PubMed 23486992; PubMed 23606733; PubMed 23975875; PubMed 24395473.

NM_001267550.2(TTN):c.33247+2T>C

Gene: TTN (titin; minus strand). Cytogenetic location: 2q31.2.
Variant type: single nucleotide variant.
Coding change: c.33247+2T>C on transcript NM_001267550.2 (MANE Select); the canonical splice donor site of the intron after coding-DNA position 33247, T replaced by C.
Molecular consequence: splice donor variant. On other transcripts: intron variant (3).
Genome position (GRCh38, 1-based): chr2:178,681,374, A>G on the plus strand (T>C on the coding strand, the complement: TTN is on the minus strand). VCF-style: chr2-178681374-A-G. GRCh37 (hg19) VCF-style: chr2-179546101-A-G.
Other names: c.13283-39057T>C (NM_003319.4); c.13859-39057T>C (NM_133437.4); c.13658-39057T>C (NM_133432.3); c.29515+2T>C (NM_133378.4); c.32296+2T>C (NM_001256850.1).
Identifiers: ClinVar variation 4786001 (VCV004786001.1).